The following is an entry in ClinVar:

ClinVar aggregate classification (germline): Likely benign (1 of 4 stars; one submission).

gnomAD v4.1: 1 of 1,613,590 alleles (0.000062%); highest among the groups gnomAD compares: Non-Finnish European, 0.000085%; no homozygotes.

Submission:

CeGaT Center for Human Genetics Tuebingen
Classification: Likely benign. Last evaluated: 2024-10-01. Review status: criteria provided, single submitter. Criteria: CeGaT Center For Human Genetics Tuebingen Variant Classification Criteria Version 2. Collection method: clinical testing. Allele origin: germline. Affected: yes. Observed: 1 variant allele.
Comment: FGFR1: BP4, BP7

NM_023110.3(FGFR1):c.69G>C (p.Pro23=)

Gene: FGFR1 (fibroblast growth factor receptor 1; minus strand). Cytogenetic location: 8p11.23.
Variant type: single nucleotide variant.
Coding change: c.69G>C on transcript NM_023110.3 (MANE Select); coding-DNA position 69, G replaced by C.
Protein change: p.Pro23=; no amino-acid change (proline 23 retained).
Molecular consequence: synonymous variant. On other transcripts: 5 prime UTR variant (1).
Genome position (GRCh38, 1-based): chr8:38,457,378, C>G on the plus strand (G>C on the coding strand, the complement: FGFR1 is on the minus strand). VCF-style: chr8-38457378-C-G. GRCh37 (hg19) VCF-style: chr8-38314896-C-G.
Other names: c.69G>C, p.Pro23= (NM_001174063.2, NM_001174065.2, NM_001174066.2 and 8 more transcripts); c.-24G>C (NM_001174064.2); c.168G>C, p.Pro56= (NM_001174067.2).
Identifiers: ClinVar variation 3388490 (VCV003388490.14).